The following is an entry in ClinVar:

NM_000217.3(KCNA1):c.1061C>T (p.Ser354Leu)

Gene: KCNA1 (potassium voltage-gated channel subfamily A member 1; plus strand). Cytogenetic location: 12p13.32.
Variant type: single nucleotide variant.
Coding change: c.1061C>T on transcript NM_000217.3 (MANE Select); coding-DNA position 1061, C replaced by T.
Protein change: p.Ser354Leu; replaces serine 354 with leucine.
Molecular consequence: missense variant.
Genome position (GRCh38, 1-based): chr12:4,912,439, C>T. VCF-style: chr12-4912439-C-T. GRCh37 (hg19) VCF-style: chr12-5021605-C-T.
Other names: short protein forms S354L.
Identifiers: ClinVar variation 1490961 (VCV001490961.8), dbSNP rs1259861866, ClinGen allele CA383455950.

ClinVar aggregate classification (germline): Uncertain significance (1 of 4 stars; one submission).

Conditions:
Episodic ataxia type 1 (EA1). Also called: ATAXIA, EPISODIC, WITH MYOKYMIA; Episodic ataxia/myokymia syndrome; PAROXYSMAL ATAXIA WITH NEUROMYOTONIA, HEREDITARY; MYOKYMIA WITH PERIODIC ATAXIA. Identifiers: Orphanet 37612, Orphanet 972, MedGen C1719788, MONDO:0008047, OMIM 160120.

Allele frequency attached by ClinVar (database versions not stated): gnomAD exomes below 0.00001 and 0.00001.
gnomAD v4.1: 1 of 1,613,878 alleles (0.000062%); no homozygotes.

Submission:

Labcorp Genetics (formerly Invitae), Labcorp
Classification: Uncertain significance for Episodic ataxia type 1. Last evaluated: 2022-08-09. Review status: criteria provided, single submitter. Criteria: Invitae Variant Classification Sherloc (09022015). Collection method: clinical testing. Allele origin: germline.
Comment: In summary, the available evidence is currently insufficient to determine the role of this variant in disease. Therefore, it has been classified as a Variant of Uncertain Significance. Advanced modeling of protein sequence and biophysical properties (such as structural, functional, and spatial information, amino acid conservation, physicochemical variation, residue mobility, and thermodynamic stability) performed at Invitae indicates that this missense variant is expected to disrupt KCNA1 protein function. ClinVar contains an entry for this variant (Variation ID: 1490961). This variant has not been reported in the literature in individuals affected with KCNA1-related conditions. This variant is present in population databases (no rsID available, gnomAD 0.01%). This sequence change replaces serine, which is neutral and polar, with leucine, which is neutral and non-polar, at codon 354 of the KCNA1 protein (p.Ser354Leu).